The following is an entry in ClinVar:

NC_000010.11:g.(?_119669831)_(119670197_?)del

Gene: BAG3 (BAG cochaperone 3; plus strand). Cytogenetic location: 10q26.11.
Variant type: Deletion.
Identifiers: ClinVar variation 583575 (VCV000583575.8).

ClinVar aggregate classification (germline): Uncertain significance (1 of 4 stars; one submission).

Conditions:
Dilated cardiomyopathy 1HH (CMD1HH). Identifiers: Orphanet 154, MedGen C3151293, MONDO:0013479, OMIM 613881.
Myofibrillar myopathy 6. Identifiers: Orphanet 199340, MedGen C2751831, MONDO:0013061, OMIM 612954.

Submission:

Labcorp Genetics (formerly Invitae), Labcorp
Classification: Uncertain significance for Dilated cardiomyopathy 1HH; Myofibrillar myopathy 6. Last evaluated: 2018-01-14. Review status: criteria provided, single submitter. Criteria: Invitae Variant Classification Sherloc (09022015). Collection method: clinical testing. Allele origin: germline.
Comment: Experimental studies and prediction algorithms are not available for this variant, and the functional significance of the deleted amino acids is currently unknown. In summary, the available evidence is currently insufficient to determine the role of this variant in disease. Therefore, it has been classified as a Variant of Uncertain Significance. This variant has not been reported in the literature in individuals with BAG3-related disease. This variant is an in-frame deletion of the genomic region encompassing exon 2 of the BAG3 gene. It preserves the integrity of the reading frame.